The following is an entry in ClinVar:

ClinVar aggregate classification (germline): Uncertain significance. Review status: criteria provided, multiple submitters, no conflicts (2 of 4 stars). 2 submissions from 2 submitters: Uncertain significance (2). Last evaluated 2022-07-19.

Conditions:
Inborn genetic diseases. Identifiers: MedGen C0950123, MeSH D030342.
Rubinstein-Taybi syndrome (RSTS). Identifiers: Orphanet 783, MedGen C0035934, MONDO:0019188.

gnomAD v4.1: 2 of 1,613,440 alleles (0.00012%); highest among the groups gnomAD compares: Admixed American, 0.0017%; no homozygotes.

Submissions (2):

Labcorp Genetics (formerly Invitae), Labcorp
Classification: Uncertain significance for Rubinstein-Taybi syndrome. Last evaluated: 2022-07-19. Review status: criteria provided, single submitter. Criteria: Invitae Variant Classification Sherloc (09022015). Collection method: clinical testing. Allele origin: germline.
Comment: In summary, the available evidence is currently insufficient to determine the role of this variant in disease. Therefore, it has been classified as a Variant of Uncertain Significance. Algorithms developed to predict the effect of sequence changes on RNA splicing suggest that this variant may create or strengthen a splice site. Advanced modeling of protein sequence and biophysical properties (such as structural, functional, and spatial information, amino acid conservation, physicochemical variation, residue mobility, and thermodynamic stability) performed at Invitae indicates that this missense variant is not expected to disrupt CREBBP protein function. ClinVar contains an entry for this variant (Variation ID: 589227). This variant has not been reported in the literature in individuals affected with CREBBP-related conditions. This variant is not present in population databases (gnomAD no frequency). This sequence change replaces methionine, which is neutral and non-polar, with valine, which is neutral and non-polar, at codon 2274 of the CREBBP protein (p.Met2274Val).

Ambry Genetics
Classification: Uncertain significance for Inborn genetic diseases. Last evaluated: 2017-05-31. Review status: criteria provided, single submitter. Criteria: Ambry Variant Classification Scheme 2023. Collection method: clinical testing. Allele origin: germline.
Comment: The p.M2274V variant (also known as c.6820A>G), located in coding exon 31 of the CREBBP gene, results from an A to G substitution at nucleotide position 6820. The methionine at codon 2274 is replaced by valine, an amino acid with highly similar properties. This amino acid position is well conserved in available vertebrate species. In addition, the in silico prediction for this alteration is inconclusive. Since supporting evidence is limited at this time, the clinical significance of this alteration remains unclear.

NM_004380.3(CREBBP):c.6820A>G (p.Met2274Val)

Gene: CREBBP (CREB binding lysine acetyltransferase; minus strand). Cytogenetic location: 16p13.3.
Variant type: single nucleotide variant.
Coding change: c.6820A>G on transcript NM_004380.3 (MANE Select); coding-DNA position 6820, A replaced by G.
Protein change: p.Met2274Val; replaces methionine 2274 with valine.
Molecular consequence: missense variant.
Genome position (GRCh38, 1-based): chr16:3,728,227, T>C on the plus strand (A>G on the coding strand, the complement: CREBBP is on the minus strand). VCF-style: chr16-3728227-T-C. GRCh37 (hg19) VCF-style: chr16-3778228-T-C.
Other names: c.6706A>G, p.Met2236Val (NM_001079846.1); short protein forms M2274V, M2236V.
Identifiers: ClinVar variation 589227 (VCV000589227.10), dbSNP rs1306100144, ClinGen allele CA394551666.